The following is an entry in ClinVar:

ClinVar aggregate classification (germline): Pathogenic (1 of 4 stars; one submission).

Conditions:
Cohen syndrome (COH1). Also called: Cutis verticis gyrata, retinitis pigmentosa, and sensorineural deafness; PEPPER SYNDROME. Identifiers: Orphanet 193, MedGen C0265223, MONDO:0008999, OMIM 216550.

Submission:

Labcorp Genetics (formerly Invitae), Labcorp
Classification: Pathogenic for Cohen syndrome. Last evaluated: 2022-08-19. Review status: criteria provided, single submitter. Criteria: Invitae Variant Classification Sherloc (09022015). Collection method: clinical testing. Allele origin: germline.
Comment: For these reasons, this variant has been classified as Pathogenic. This variant has not been reported in the literature in individuals affected with VPS13B-related conditions. This variant is a gross deletion of the genomic region encompassing exon(s) 17-39 of the VPS13B gene. This deletion is out-of-frame, and is expected to create a premature termination codon and result in an absent or disrupted protein product. Loss-of-function variants in VPS13B are known to be pathogenic (PMID: 15141358, 16648375, 20461111).

Literature cited by the submitters: PubMed 15141358; PubMed 16648375; PubMed 20461111.

NC_000008.10:g.(?_100205094)_(100733285_?)del

Gene: VPS13B (vacuolar protein sorting 13 homolog B; plus strand). Cytogenetic location: 8q22.2.
Variant type: Deletion.
Identifiers: ClinVar variation 2426377 (VCV002426377.4).